The following is an entry in ClinVar:

NM_002075.4(GNB3):c.203+6G>A

Gene: GNB3 (G protein subunit beta 3; plus strand). Cytogenetic location: 12p13.31.
Variant type: single nucleotide variant.
Coding change: c.203+6G>A on transcript NM_002075.4 (MANE Select); 6 bases into the intron after coding-DNA position 203, G replaced by A.
Molecular consequence: intron variant.
Genome position (GRCh38, 1-based): chr12:6,843,082, G>A. VCF-style: chr12-6843082-G-A. GRCh37 (hg19) VCF-style: chr12-6952246-G-A.
Other names: c.203+6G>A (NM_001297571.2).
Identifiers: ClinVar variation 2096026 (VCV002096026.5), dbSNP rs782655748, ClinGen allele CA6417437.

ClinVar aggregate classification (germline): Uncertain significance. Review status: criteria provided, multiple submitters, no conflicts (2 of 4 stars). 2 submissions from 2 submitters: Uncertain significance (2). Last evaluated 2025-08-29.

Allele frequency attached by ClinVar (database versions not stated): ExAC 0.00001; gnomAD 0.00001; TOPMed 0.00001.

Submissions (2):

Labcorp Genetics (formerly Invitae), Labcorp
Classification: Uncertain significance. Last evaluated: 2025-08-29. Review status: criteria provided, single submitter. Criteria: Invitae Variant Classification Sherloc (09022015). Collection method: clinical testing. Allele origin: germline.
Comment: This sequence change falls in intron 4 of the GNB3 gene. It does not directly change the encoded amino acid sequence of the GNB3 protein. It affects a nucleotide within the consensus splice site. This variant is present in population databases (rs782655748, gnomAD 0.003%). This variant has not been reported in the literature in individuals affected with GNB3-related conditions. ClinVar contains an entry for this variant (Variation ID: 2096026). Variants that disrupt the consensus splice site are a relatively common cause of aberrant splicing (PMID: 17576681, 9536098). Algorithms developed to predict the effect of sequence changes on RNA splicing suggest that this variant is not likely to affect RNA splicing. In summary, the available evidence is currently insufficient to determine the role of this variant in disease. Therefore, it has been classified as a Variant of Uncertain Significance.

Blueprint Genetics
Classification: Uncertain significance. Last evaluated: 2019-10-16. Review status: criteria provided, single submitter. Criteria: ACMG Guidelines, 2015. Collection method: clinical testing. Allele origin: germline.

Literature cited by the submitters: PubMed 17576681 (cited by Labcorp Genetics (formerly Invitae), Labcorp); PubMed 9536098 (cited by Labcorp Genetics (formerly Invitae), Labcorp).